The following is an entry in ClinVar:

ClinVar aggregate classification (germline): Uncertain significance. Review status: criteria provided, multiple submitters, no conflicts (2 of 4 stars). 2 submissions from 2 submitters: Uncertain significance (2). Last evaluated 2026-07-29.

Conditions:
Cone-rod dystrophy 6 (CORD6). Also called: RETINAL CONE DYSTROPHY 2; Cone dystrophy progressive. Identifiers: Orphanet 1872, MedGen C1866293, MONDO:0011143, OMIM 601777.
Leber congenital amaurosis 1 (LCA1). Also called: RETINAL BLINDNESS, CONGENITAL; Congenital absence of the rods and cones; Leber's congenital tapetoretinal degeneration; Leber's congenital tapetoretinal dysplasia; AMAUROSIS CONGENITA OF LEBER I. Identifiers: Orphanet 65, MedGen C2931258, MONDO:0008764, OMIM 204000.
Inborn genetic diseases. Identifiers: MedGen C0950123, MeSH D030342.

Allele frequency attached by ClinVar (database versions not stated): gnomAD exomes below 0.00001; TOPMed below 0.00001.
gnomAD v4.1: 6 of 1,609,274 alleles (0.00037%); highest among the groups gnomAD compares: Admixed American, 0.0017%; no homozygotes.

Submissions (2):

Ambry Genetics
Classification: Uncertain significance for Inborn genetic diseases. Last evaluated: 2026-07-29. Review status: criteria provided, single submitter. Criteria: Ambry Variant Classification Scheme 2023. Collection method: clinical testing. Allele origin: germline.

Labcorp Genetics (formerly Invitae), Labcorp
Classification: Uncertain significance for Leber congenital amaurosis 1; Cone-rod dystrophy 6. Last evaluated: 2026-01-26. Review status: criteria provided, single submitter. Criteria: Invitae Variant Classification Sherloc (09022015). Collection method: clinical testing. Allele origin: germline.
Comment: This sequence change replaces tyrosine, which is neutral and polar, with cysteine, which is neutral and slightly polar, at codon 486 of the GUCY2D protein (p.Tyr486Cys). This variant is not present in population databases (gnomAD no frequency). This variant has not been reported in the literature in individuals affected with GUCY2D-related conditions. ClinVar contains an entry for this variant (Variation ID: 2415750). Invitae Evidence Modeling of protein sequence and biophysical properties (such as structural, functional, and spatial information, amino acid conservation, physicochemical variation, residue mobility, and thermodynamic stability) indicates that this missense variant is not expected to disrupt GUCY2D protein function with a negative predictive value of 80%. In summary, the available evidence is currently insufficient to determine the role of this variant in disease. Therefore, it has been classified as a Variant of Uncertain Significance.

NM_000180.4(GUCY2D):c.1457A>G (p.Tyr486Cys)

Gene: GUCY2D (guanylate cyclase 2D, retinal; plus strand). Cytogenetic location: 17p13.1.
Variant type: single nucleotide variant.
Coding change: c.1457A>G on transcript NM_000180.4 (MANE Select); coding-DNA position 1457, A replaced by G.
Protein change: p.Tyr486Cys; replaces tyrosine 486 with cysteine.
Molecular consequence: missense variant.
Genome position (GRCh38, 1-based): chr17:8,007,138, A>G. VCF-style: chr17-8007138-A-G. GRCh37 (hg19) VCF-style: chr17-7910456-A-G.
Other names: c.1457A>G (NM_000180.3); short protein forms Y486C.
Identifiers: ClinVar variation 2415750 (VCV002415750.4), dbSNP rs771288323, ClinGen allele CA287525380.